The following is an entry in ClinVar:

ClinVar aggregate classification (germline): Uncertain significance (1 of 4 stars; one submission).

Conditions:
Developmental and epileptic encephalopathy, 23 (DEE23). Also called: Epileptic encephalopathy, early infantile, 23. Identifiers: Orphanet 411986, MedGen C4014492, MONDO:0014371, OMIM 615859.

Allele frequency attached by ClinVar (database versions not stated): ESP Exome Variant Server 0.00008; ExAC 0.00001.
gnomAD v4.1: 54 of 1,613,692 alleles (0.0033%); highest among the groups gnomAD compares: Non-Finnish European, 0.0045%; no homozygotes.

Submission:

Labcorp Genetics (formerly Invitae), Labcorp
Classification: Uncertain significance for Developmental and epileptic encephalopathy, 23. Last evaluated: 2024-01-04. Review status: criteria provided, single submitter. Criteria: Invitae Variant Classification Sherloc (09022015). Collection method: clinical testing. Allele origin: germline.
Comment: This sequence change replaces arginine, which is basic and polar, with tryptophan, which is neutral and slightly polar, at codon 77 of the DOCK7 protein (p.Arg77Trp). This variant is present in population databases (rs373435369, gnomAD 0.003%). This variant has not been reported in the literature in individuals affected with DOCK7-related conditions. ClinVar contains an entry for this variant (Variation ID: 1403175). Advanced modeling of protein sequence and biophysical properties (such as structural, functional, and spatial information, amino acid conservation, physicochemical variation, residue mobility, and thermodynamic stability) has been performed at Invitae for this missense variant, however the output from this modeling did not meet the statistical confidence thresholds required to predict the impact of this variant on DOCK7 protein function. In summary, the available evidence is currently insufficient to determine the role of this variant in disease. Therefore, it has been classified as a Variant of Uncertain Significance.

NM_001367561.1(DOCK7):c.229C>T (p.Arg77Trp)

Gene: DOCK7 (dedicator of cytokinesis 7; minus strand). Cytogenetic location: 1p31.3.
Variant type: single nucleotide variant.
Coding change: c.229C>T on transcript NM_001367561.1 (MANE Select); coding-DNA position 229, C replaced by T.
Protein change: p.Arg77Trp; replaces arginine 77 with tryptophan.
Molecular consequence: missense variant.
Genome position (GRCh38, 1-based): chr1:62,654,075, G>A on the plus strand (C>T on the coding strand, the complement: DOCK7 is on the minus strand). VCF-style: chr1-62654075-G-A. GRCh37 (hg19) VCF-style: chr1-63119746-G-A.
Other names: c.229C>T, p.Arg77Trp (NM_001271999.2, NM_001272000.2, NM_001272001.2 and 3 more transcripts); short protein forms R77W.
Identifiers: ClinVar variation 1403175 (VCV001403175.4), dbSNP rs373435369, ClinGen allele CA887243.